The following is an entry in ClinVar:

ClinVar aggregate classification (germline): Uncertain significance. Review status: criteria provided, multiple submitters, no conflicts (2 of 4 stars). 2 submissions from 2 submitters: Uncertain significance (2). Last evaluated 2024-10-21.

Conditions:
Inborn genetic diseases. Identifiers: MedGen C0950123, MeSH D030342.

Allele frequency attached by ClinVar (database versions not stated): TOPMed 0.00001.

Submissions (2):

GeneDx
Classification: Uncertain significance. Last evaluated: 2024-10-21. Review status: criteria provided, single submitter. Criteria: GeneDx Variant Classification Process June 2021. Collection method: clinical testing. Allele origin: germline. Affected: yes.
Comment: Not observed at significant frequency in large population cohorts (gnomAD); In silico analysis indicates that this missense variant does not alter protein structure/function; Has not been previously published as pathogenic or benign to our knowledge

Ambry Genetics
Classification: Uncertain significance for Inborn genetic diseases. Last evaluated: 2023-10-16. Review status: criteria provided, single submitter. Criteria: Ambry Variant Classification Scheme 2023. Collection method: clinical testing. Allele origin: germline.

NM_016333.4(SRRM2):c.654C>G (p.His218Gln)

Gene: SRRM2 (serine/arginine repetitive matrix 2; plus strand). Cytogenetic location: 16p13.3.
Variant type: single nucleotide variant.
Coding change: c.654C>G on transcript NM_016333.4 (MANE Select); coding-DNA position 654, C replaced by G.
Protein change: p.His218Gln; replaces histidine 218 with glutamine.
Molecular consequence: missense variant.
Genome position (GRCh38, 1-based): chr16:2,759,045, C>G. VCF-style: chr16-2759045-C-G. GRCh37 (hg19) VCF-style: chr16-2809046-C-G.
Other names: short protein forms H218Q.
Identifiers: ClinVar variation 3170174 (VCV003170174.2), dbSNP rs1596267795, ClinGen allele CA394405271.